The following is an entry in ClinVar:

NM_003072.5(SMARCA4):c.4277C>G (p.Thr1426Ser)

Gene: SMARCA4 (SWI/SNF related BAF chromatin remodeling complex subunit ATPase 4; plus strand). Cytogenetic location: 19p13.2.
Variant type: single nucleotide variant.
Coding change: c.4277C>G on transcript NM_003072.5 (MANE Select); coding-DNA position 4277, C replaced by G.
Protein change: p.Thr1426Ser; replaces threonine 1426 with serine.
Molecular consequence: missense variant. On other transcripts: non-coding transcript variant (1).
Genome position (GRCh38, 1-based): chr19:11,041,413, C>G. VCF-style: chr19-11041413-C-G. GRCh37 (hg19) VCF-style: chr19-11152089-C-G.
Other names: c.4277C>G, p.Thr1426Ser (NM_001128844.3); c.4187C>G, p.Thr1396Ser (NM_001128845.2, NM_001128846.2); c.4178C>G, p.Thr1393Ser (NM_001128847.4, NM_001128848.2, NM_001374457.1); c.4373C>G, p.Thr1458Ser (NM_001128849.3, NM_001387283.1); c.4274C>G, p.Thr1425Ser (NM_001411150.1); short protein forms T1393S, T1396S, T1425S, T1426S, T1458S.
Identifiers: ClinVar variation 4864768 (VCV004864768.1).
Genomic context (GRCh38, chr19:11,041,413, plus strand): 5'-AGAAGAAATCATCACGGAAGCGCAAGCGAGACAGCGACGCCGGCTCCTCCACCCCGACCA[C>G]CAGCACCCGCAGCCGCGACAAGGACGACGAGAGCAAGAAGCAGAAGAAGCGCGGGCGGCC-3'
Protein context (NP_003063.2, residues 1416-1436): DSDAGSSTPT[Thr1426Ser]STRSRDKDDE

ClinVar aggregate classification (germline): Uncertain significance (1 of 4 stars; one submission).

Conditions:
Hereditary cancer-predisposing syndrome. Also called: Neoplastic Syndromes, Hereditary; Tumor predisposition; Hereditary Cancer Syndrome; Hereditary neoplastic syndrome. Identifiers: Orphanet 140162, MedGen C0027672, MeSH D009386, MONDO:0015356.

Submission:

Ambry Genetics
Classification: Uncertain significance for Hereditary cancer-predisposing syndrome. Last evaluated: 2026-04-26. Review status: criteria provided, single submitter. Criteria: Ambry Variant Classification Scheme 2023. Collection method: clinical testing. Allele origin: germline.
Comment: The p.T1458S variant (also known as c.4373C>G), located in coding exon 30 of the SMARCA4 gene, results from a C to G substitution at nucleotide position 4373. The threonine at codon 1458 is replaced by serine, an amino acid with similar properties. This amino acid position is conserved. In addition, this alteration is predicted to be tolerated by in silico analysis. Based on the available evidence, the clinical significance of this variant remains unclear.